The following is an entry in ClinVar:

ClinVar aggregate classification (germline): Uncertain significance. Review status: criteria provided, multiple submitters, no conflicts (2 of 4 stars). 9 submissions from 9 submitters: Uncertain significance (9). Last evaluated 2025-11-04.

Conditions:
Hereditary cancer-predisposing syndrome. Also called: Tumor predisposition; Hereditary Cancer Syndrome; Hereditary neoplastic syndrome; Neoplastic Syndromes, Hereditary. Identifiers: Orphanet 140162, MedGen C0027672, MeSH D009386, MONDO:0015356.
Hereditary breast ovarian cancer syndrome. Also called: Breast and ovarian cancer; Hereditary breast and/or ovarian cancer syndrome; BRCA1- and BRCA2-Associated Hereditary Breast and Ovarian Cancer; Hereditary breast and ovarian cancer syndrome; Hereditary breast and ovarian cancer syndrome (HBOC); Hereditary breast and ovarian cancer. Identifiers: Orphanet 145, MedGen C0677776, MeSH D061325, MONDO:0003582. Disease mechanism: loss of function.
Breast-ovarian cancer, familial, susceptibility to, 1 (BROVCA1). Also called: BRCA1 Hereditary Breast and Ovarian Cancer; OVARIAN CANCER, SUSCEPTIBILITY TO. Identifiers: Orphanet 145, MedGen C2676676, MONDO:0011450, OMIM 604370. Disease mechanism: loss of function.

Allele frequency attached by ClinVar (database versions not stated): gnomAD exomes below 0.00001; TOPMed below 0.00001; gnomAD 0.00001.
gnomAD v4.1: 4 of 1,613,862 alleles (0.00025%); highest among the groups gnomAD compares: Admixed American, 0.0017%; no homozygotes.

Submissions (9):

Women's Health and Genetics/Laboratory Corporation of America, LabCorp
Classification: Uncertain significance. Last evaluated: 2025-11-04. Review status: criteria provided, single submitter. Criteria: LabCorp Variant Classification Summary - May 2015. Collection method: clinical testing. Allele origin: germline.
Comment: Variant summary: BRCA1 c.488G>C (p.Arg163Thr) results in a non-conservative amino acid change in the encoded protein sequence. The variant was absent in 251468 control chromosomes. The available data on variant occurrences in the general population are insufficient to allow any conclusion about variant significance. c.488G>C has been observed in individuals undergoing BRCA1/2 testing due to a personal and/or family history of breast, ovarian, or other cancers, without strong evidence of causality (e.g. Santonocito_2017, Farra_2019, Santonocito_2020, Matta_2022). These reports do not provide unequivocal conclusions about association of the variant with Hereditary Breast And Ovarian Cancer Syndrome. To our knowledge, no experimental evidence demonstrating an impact on protein function has been reported. The following publications have been ascertained in the context of this evaluation (PMID: 29020660, 30675319, 36329109, 32438681). ClinVar contains an entry for this variant (Variation ID: 531359). Based on the evidence outlined above, the variant was classified as uncertain significance.

Labcorp Genetics (formerly Invitae), Labcorp
Classification: Uncertain significance for Hereditary breast ovarian cancer syndrome. Last evaluated: 2025-11-02. Review status: criteria provided, single submitter. Criteria: Invitae Variant Classification Sherloc (09022015). Collection method: clinical testing. Allele origin: germline.
Comment: This sequence change replaces arginine, which is basic and polar, with threonine, which is neutral and polar, at codon 163 of the BRCA1 protein (p.Arg163Thr). This variant is not present in population databases (gnomAD no frequency). This missense change has been observed in individual(s) with a personal and/or family history of breast and/or ovarian cancer (PMID: 29020660, 30675319, 32438681, 36329109). ClinVar contains an entry for this variant (Variation ID: 531359). Invitae Evidence Modeling of protein sequence and biophysical properties (such as structural, functional, and spatial information, amino acid conservation, physicochemical variation, residue mobility, and thermodynamic stability) indicates that this missense variant is expected to disrupt BRCA1 protein function with a positive predictive value of 80%. In summary, the available evidence is currently insufficient to determine the role of this variant in disease. Therefore, it has been classified as a Variant of Uncertain Significance.

Color Diagnostics, LLC DBA Color Health
Classification: Uncertain significance for Hereditary cancer-predisposing syndrome. Last evaluated: 2025-09-04. Review status: criteria provided, single submitter. Criteria: ACMG Guidelines, 2015. Collection method: clinical testing. Allele origin: germline.
Comment: This missense variant replaces arginine with threonine at codon 163 of the BRCA1 protein. Computational predictions are inconclusive regarding the impact of this variant on protein structure and function. To our knowledge, functional studies have not been reported for this variant. This variant has been reported in two individuals affected with breast and/or ovarian cancer (PMID: 32438681, 36329109) and in a suspected hereditary breast and ovarian cancer family (PMID: 30675319). This variant has not been identified in the general population by the Genome Aggregation Database (gnomAD). The available evidence is insufficient to determine the role of this variant in disease conclusively. Therefore, this variant is classified as a Variant of Uncertain Significance.

Ambry Genetics
Classification: Uncertain significance for Hereditary cancer-predisposing syndrome. Last evaluated: 2025-06-22. Review status: criteria provided, single submitter. Criteria: Ambry Variant Classification Scheme 2023. Collection method: clinical testing. Allele origin: germline.
Comment: The p.R163T variant (also known as c.488G>C), located in coding exon 6 of the BRCA1 gene, results from a G to C substitution at nucleotide position 488. The arginine at codon 163 is replaced by threonine, an amino acid with similar properties. This alteration has been identified in multiple individuals with a personal and/or family history of breast and/or ovarian cancer (Santonocito C et al. Breast, 2017 Dec;36:74-78; Farra C et al. Hered Cancer Clin Pract, 2019 Jan;17:4; Santonocito C et al. Cancers (Basel), 2020 May;12:; Matta BP et al. Sci Rep, 2022 Nov;12:18629). This amino acid position is not well conserved in available vertebrate species. In addition, this alteration is predicted to be deleterious by in silico analysis. Since supporting evidence is limited at this time, the clinical significance of this alteration remains unclear.

GeneDx
Classification: Uncertain significance. Last evaluated: 2024-02-05. Review status: criteria provided, single submitter. Criteria: GeneDx Variant Classification Process June 2021. Collection method: clinical testing. Allele origin: germline. Affected: yes.
Comment: Observed in individuals with personal and/or family history of breast and/or ovarian cancer (PMID: 29020660, 30675319, 36329109); Not observed at significant frequency in large population cohorts (gnomAD); In silico analysis supports that this missense variant has a deleterious effect on protein structure/function; Also known as 607G>C; This variant is associated with the following publications: (PMID: 32438681, 30675319, 29884841, 32377563, 29020660, 36329109, 35150867, 20215511)

All of Us Research Program, National Institutes of Health
Classification: Uncertain significance for Breast-ovarian cancer, familial, susceptibility to, 1. Last evaluated: 2023-08-28. Review status: criteria provided, single submitter. Criteria: ACMG Guidelines, 2015. Collection method: clinical testing. Allele origin: germline. Inheritance: Autosomal dominant inheritance. Observed: 2 variant alleles, 2 heterozygotes.
Comment: This missense variant replaces arginine with threonine at codon 163 of the BRCA1 protein. Computational prediction tools and conservation analyses are inconclusive regarding the impact of this variant on the protein function. Computational splicing tools suggest that this variant may not impact RNA splicing. To our knowledge, functional assays have not been performed for this variant. This variant has been observed in two individuals who underwent BRCA mutation testing in cohorts with personal or family history of BRCA-associated cancers (PMID: 29020660, 30675319). This variant has not been identified in the general population by the Genome Aggregation Database (gnomAD). Available evidence is insufficient to determine the role of this variant in disease conclusively. Therefore, this variant is classified as a Variant of Uncertain Significance.

This study involves interpretation of variants in research participants for the purpose of population health screening. Participant phenotype was not available at the time of variant classification. Additional details can be found in publication PMID: 35346344, PMCID: PMC8962531

Genetics Program, Instituto Nacional de Cancer
Classification: Uncertain significance for Hereditary breast ovarian cancer syndrome. Last evaluated: 2021-11-01. Review status: criteria provided, single submitter. Criteria: ACMG Guidelines, 2015. Collection method: research. Allele origin: germline. Affected: yes.

Quest Diagnostics Nichols Institute San Juan Capistrano
Classification: Uncertain significance. Last evaluated: 2020-08-15. Review status: criteria provided, single submitter. Criteria: Quest Diagnostics criteria. Collection method: clinical testing. Allele origin: unknown.

Mendelics
Classification: Uncertain significance for Breast-ovarian cancer, familial, susceptibility to, 1. Last evaluated: 2019-05-28. Review status: criteria provided, single submitter. Criteria: Mendelics Assertion Criteria 2017. Collection method: clinical testing. Allele origin: unknown.

Literature cited by the submitters: PubMed 29020660 (cited by 5 submitters); PubMed 30675319 (cited by 6 submitters); PubMed 32438681 (cited by 5 submitters); PubMed 36329109 (cited by 5 submitters).

NM_007294.4(BRCA1):c.488G>C (p.Arg163Thr)

Gene: BRCA1 (BRCA1 DNA repair associated; minus strand). Cytogenetic location: 17q21.31.
Variant type: single nucleotide variant.
Coding change: c.488G>C on transcript NM_007294.4 (MANE Select); coding-DNA position 488, G replaced by C.
Protein change: p.Arg163Thr; replaces arginine 163 with threonine.
Molecular consequence: missense variant. On other transcripts: non-coding transcript variant (1).
Genome position (GRCh38, 1-based): chr17:43,099,834, C>G on the plus strand (G>C on the coding strand, the complement: BRCA1 is on the minus strand). VCF-style: chr17-43099834-C-G. GRCh37 (hg19) VCF-style: chr17-41251851-C-G.
Other names: c.488G>C, p.Arg163Thr (NM_001408430.1, NM_001408436.1, NM_001408437.1 and 97 more transcripts); c.485G>C, p.Arg162Thr (NM_001408431.1, NM_001408432.1, NM_001408433.1 and 65 more transcripts); c.353G>C, p.Arg118Thr (NM_001408451.1); c.347G>C, p.Arg116Thr (NM_001408452.1, NM_001408453.1, NM_001408454.1 and 61 more transcripts); c.344G>C, p.Arg115Thr (NM_001408462.1, NM_001408463.1, NM_001408464.1 and 35 more transcripts); c.410G>C, p.Arg137Thr (NM_001408474.1, NM_001408476.1, NM_001407653.1 and 12 more transcripts); c.407G>C, p.Arg136Thr (NM_001408475.1, NM_001407659.1, NM_001407660.1 and 6 more transcripts); c.278G>C, p.Arg93Thr (NM_001408478.1, NM_001408479.1, NM_001408480.1 and 37 more transcripts); and 4 more; short protein forms R163T, R116T, R137T, R162T, R93T, R115T, R36T, R136T.
Identifiers: ClinVar variation 531359 (VCV000531359.55), dbSNP rs1369043501, ClinGen allele CA10601165.